The following is an entry in ClinVar:

ClinVar aggregate classification (germline): Pathogenic (1 of 4 stars; one submission).

Conditions:
Glutaric aciduria, type 1. Also called: GA I; Glutaryl-CoA dehydrogenase deficiency; Glutaric acidemia type I; Glutaricacidemia Type 1; Glutaricaciduria, type I; Glutaric Acidemia Type 1. Identifiers: Orphanet 25, MedGen C0268595, MONDO:0009281, OMIM 231670.

Submission:

Myriad Genetics, Inc.
Classification: Pathogenic for Glutaric aciduria, type 1. Last evaluated: 2023-09-27. Review status: criteria provided, single submitter. Criteria: Myriad Autosomal Dominant, Autosomal Recessive and X-Linked Classification Criteria (2023). Collection method: clinical testing. Allele origin: unknown.
Comment: NM_000159.2(GCDH):c.138dupC(E47Rfs*3) is expected to be pathogenic in the context of glutaric acidemia, GCDH-related. This variant is predicted to lead to an abnormal or absent protein product due to the creation of a premature termination codon in GCDH, a gene where loss-of-function variants are known to be pathogenic. Please note: this variant was assessed in the context of healthy population screening.

NM_000159.4(GCDH):c.138dup (p.Glu47fs)

Genes: GCDH (glutaryl-CoA dehydrogenase; plus strand), LOC117125594 (CRISPRi-FlowFISH-validated KLF1 regulatory element; plus strand). Cytogenetic location: 19p13.13.
Variant type: Duplication.
Coding change: c.138dup on transcript NM_000159.4 (MANE Select); coding-DNA position 138, one base duplicated (C; older notation c.138dupC).
Protein change: p.Glu47fs; shifts the reading frame from glutamic acid 47.
Molecular consequence: frameshift variant. On other transcripts: non-coding transcript variant (2).
Genome position (GRCh38, 1-based): chr19:12,891,841, C duplicated; the last of 3 consecutive C bases (chr19:12,891,839-12,891,841); duplicating any one gives the same sequence. VCF-style (leftmost placement, unchanged base first): chr19-12891838-T-TC. GRCh37 (hg19) VCF-style: chr19-13002652-T-TC.
Other names: c.138dup, p.Glu47fs (NM_013976.5); short protein forms E47fs.
Identifiers: ClinVar variation 5012273 (VCV005012273.1).
Genomic context (GRCh38, chr19:12,891,838, plus strand): 5'-AGGGAGGGCACAGTGATCTTGCGGACTGGACCGAGGCGAATTCCCCTTCCCAGCCTCGCG[T>TC]CCCGAGTTTGACTGGCAGGACCCGCTGGTGCTGGAGGAGCAGCTGACCACAGATGAGATC-3'